The following is an entry in ClinVar:

ClinVar aggregate classification (germline): Uncertain significance (1 of 4 stars; one submission).

Submission:

GeneDx
Classification: Uncertain significance. Last evaluated: 2024-02-23. Review status: criteria provided, single submitter. Criteria: GeneDx Variant Classification Process June 2021. Collection method: clinical testing. Allele origin: germline. Affected: yes.
Comment: Not observed at significant frequency in large population cohorts (gnomAD); In silico analysis supports that this missense variant has a deleterious effect on protein structure/function; Has not been previously published as pathogenic or benign to our knowledge

NM_031844.3(HNRNPU):c.767G>A (p.Gly256Glu)

Gene: HNRNPU (heterogeneous nuclear ribonucleoprotein U; minus strand). Cytogenetic location: 1q44.
Variant type: single nucleotide variant.
Coding change: c.767G>A on transcript NM_031844.3 (MANE Select); coding-DNA position 767, G replaced by A.
Protein change: p.Gly256Glu; replaces glycine 256 with glutamic acid.
Molecular consequence: missense variant.
Genome position (GRCh38, 1-based): chr1:244,862,655, C>T on the plus strand (G>A on the coding strand, the complement: HNRNPU is on the minus strand). VCF-style: chr1-244862655-C-T. GRCh37 (hg19) VCF-style: chr1-245025957-C-T.
Other names: c.710G>A, p.Gly237Glu (NM_004501.3); short protein forms G237E, G256E.
Identifiers: ClinVar variation 3369513 (VCV003369513.1).